The following is an entry in ClinVar:

ClinVar aggregate classification (germline): Pathogenic. Review status: criteria provided, single submitter (1 of 4 stars). 2 submissions from 2 submitters: Pathogenic (1). 1 of the submissions does not count toward it. Last evaluated 2025-03-03.

Conditions:
Congenital heart defects, multiple types, 9 (CHTD9). Identifiers: MedGen C5830367, MONDO:0859532, OMIM 620294.

Submissions (2):

GeneDx
Classification: Pathogenic. Last evaluated: 2025-03-03. Review status: criteria provided, single submitter. Criteria: GeneDx Variant Classification Process June 2021. Collection method: clinical testing. Allele origin: germline. Affected: yes.
Comment: Observed with a second PLXND1 variant in an individual with truncus arteriosis in the published literature and testing of one parent suggests the variants are likely present on opposite alleles (in trans) (PMID: 35396997); Frameshift variant predicted to result in protein truncation or nonsense mediated decay in a gene for which loss of function is a known mechanism of disease; Not observed at significant frequency in large population cohorts (gnomAD); This variant is associated with the following publications: (PMID: 35396997)

OMIM
Classification: Pathogenic for CONGENITAL HEART DEFECTS, MULTIPLE TYPES, 9. Last evaluated: 2023-03-22. Review status: no assertion criteria provided. Collection method: literature only. Allele origin: germline. Not counted in ClinVar's aggregate classification.

Literature cited by the submitters: PubMed 35396997 (cited by OMIM).

NM_015103.3(PLXND1):c.880_881del (p.Gln294fs)

Gene: PLXND1 (plexin D1; minus strand). Cytogenetic location: 3q22.1.
Variant type: Microsatellite.
Coding change: c.880_881del on transcript NM_015103.3 (MANE Select); coding-DNA positions 880 to 881, 2 bases deleted (CA; older notation c.880_881delCA).
Protein change: p.Gln294fs; shifts the reading frame from glutamine 294.
Molecular consequence: frameshift variant.
Genome position (GRCh38, 1-based): chr3:129,605,759-129,605,760, TG deleted on the plus strand (CA on the coding strand, the reverse complement: PLXND1 is on the minus strand); deleting any 2 consecutive bases within chr3:129,605,759-129,605,762 gives the same sequence; the c. name uses the placement nearest the transcript's 3' end. VCF-style (leftmost placement, unchanged base first): chr3-129605758-CTG-C. GRCh37 (hg19) VCF-style: chr3-129324601-CTG-C.
Other names: c.880_881delCA (NM_015103.2); c.880_881del (NM_015103.2); short protein forms Q294fs.
Identifiers: ClinVar variation 2445607 (VCV002445607.2), dbSNP rs1458204589, ClinGen allele CA546420846.